The following is an entry in ClinVar:

NM_005883.3(APC2):c.2401G>A (p.Ala801Thr)

Gene: APC2 (APC regulator of Wnt signaling pathway 2; plus strand). Cytogenetic location: 19p13.3.
Variant type: single nucleotide variant.
Coding change: c.2401G>A on transcript NM_005883.3 (MANE Select); coding-DNA position 2401, G replaced by A.
Protein change: p.Ala801Thr; replaces alanine 801 with threonine.
Molecular consequence: missense variant.
Genome position (GRCh38, 1-based): chr19:1,465,702, G>A. VCF-style: chr19-1465702-G-A. GRCh37 (hg19) VCF-style: chr19-1465701-G-A.
Other names: c.2398G>A, p.Ala800Thr (NM_001351273.1); short protein forms A801T, A800T.
Identifiers: ClinVar variation 3412821 (VCV003412821.2).

ClinVar aggregate classification (germline): Uncertain significance. Review status: criteria provided, multiple submitters, no conflicts (2 of 4 stars). 2 submissions from 2 submitters: Uncertain significance (2). Last evaluated 2025-07-08.

Conditions:
Inborn genetic diseases. Identifiers: MedGen C0950123, MeSH D030342.

gnomAD v4.1: 61 of 1,582,900 alleles (0.0039%); highest among the groups gnomAD compares: African/African-American, 0.049%; no homozygotes.

Submissions (2):

Labcorp Genetics (formerly Invitae), Labcorp
Classification: Uncertain significance. Last evaluated: 2025-07-08. Review status: criteria provided, single submitter. Criteria: Invitae Variant Classification Sherloc (09022015). Collection method: clinical testing. Allele origin: germline.
Comment: This sequence change replaces alanine, which is neutral and non-polar, with threonine, which is neutral and polar, at codon 801 of the APC2 protein (p.Ala801Thr). This variant is present in population databases (rs757798533, gnomAD 0.07%). This variant has not been reported in the literature in individuals affected with APC2-related conditions. ClinVar contains an entry for this variant (Variation ID: 3412821). An algorithm developed to predict the effect of missense changes on protein structure and function (PolyPhen-2) suggests that this variant is likely to be tolerated. In summary, the available evidence is currently insufficient to determine the role of this variant in disease. Therefore, it has been classified as a Variant of Uncertain Significance.

Ambry Genetics
Classification: Uncertain significance for Inborn genetic diseases. Last evaluated: 2024-10-09. Review status: criteria provided, single submitter. Criteria: Ambry Variant Classification Scheme 2023. Collection method: clinical testing. Allele origin: germline.